The following is an entry in ClinVar:

ClinVar aggregate classification (germline): Benign (1 of 4 stars; one submission).

Allele frequency attached by ClinVar (database versions not stated): TOPMed 0.05205; gnomAD 0.05219 and 0.05383; 1000 Genomes Project 0.06070; 1000 Genomes Project 30x 0.06168.
gnomAD v4.1: 7,905 of 152,320 alleles (5.2%); highest among the groups gnomAD compares: African/African-American, 12%; 345 homozygotes.

Submission:

GeneDx
Classification: Benign. Last evaluated: 2018-06-14. Review status: criteria provided, single submitter. Criteria: GeneDx Variant Classification (06012015). Collection method: clinical testing. Allele origin: germline. Affected: yes.
Comment: This variant is considered likely benign or benign based on one or more of the following criteria: it is a conservative change, it occurs at a poorly conserved position in the protein, it is predicted to be benign by multiple in silico algorithms, and/or has population frequency not consistent with disease.

NM_000093.5(COL5A1):c.2385+250G>T

Gene: COL5A1 (collagen type V alpha 1 chain; plus strand). Cytogenetic location: 9q34.3.
Variant type: single nucleotide variant.
Coding change: c.2385+250G>T on transcript NM_000093.5 (MANE Select); 250 bases into the intron after coding-DNA position 2385, G replaced by T.
Molecular consequence: intron variant.
Genome position (GRCh38, 1-based): chr9:134,775,162, G>T. VCF-style: chr9-134775162-G-T. GRCh37 (hg19) VCF-style: chr9-137667008-G-T.
Other names: c.2385+250G>T (NM_001278074.1).
Identifiers: ClinVar variation 669861 (VCV000669861.1), dbSNP rs72774445, ClinGen allele CA201101339.